The following is an entry in ClinVar:

NM_000551.4(VHL):c.464-6T>G

Genes: VHL (von Hippel-Lindau tumor suppressor; plus strand), LOC107303340 (3p25 von Hippel-Lindau tumor suppressor, E3 ubiquitin protein ligase Alu-mediated recombination region; plus strand). Cytogenetic location: 3p25.3.
Variant type: single nucleotide variant.
Coding change: c.464-6T>G on transcript NM_000551.4 (MANE Select); 6 bases into the intron before coding-DNA position 464, T replaced by G.
Molecular consequence: intron variant.
Genome position (GRCh38, 1-based): chr3:10,149,781, T>G. VCF-style: chr3-10149781-T-G. GRCh37 (hg19) VCF-style: chr3-10191465-T-G.
Other names: c.464-6T>G (NM_000551.3); c.*18-6T>G (NM_001354723.2); c.341-6T>G (NM_198156.3).
Identifiers: ClinVar variation 2079666 (VCV002079666.5), dbSNP rs2125130443, ClinGen allele CA2580068475.

ClinVar aggregate classification (germline): Conflicting classifications of pathogenicity. Review status: criteria provided, conflicting classifications (1 of 4 stars). 2 submissions from 2 submitters: Uncertain significance (1); Likely benign (1). Last evaluated 2025-10-23.

Conditions:
VHL-related disorder. Also called: VHL-related condition.
Chuvash polycythemia. Also called: POLYCYTHEMIA, VHL-DEPENDENT. Identifiers: Orphanet 238557, MedGen C1837915, MONDO:0009892, OMIM 263400.
Von Hippel-Lindau syndrome (VHLS). Also called: von Hippel–Lindau syndrome; Von Hippel-Lindau; VHL syndrome. Identifiers: Orphanet 892, MedGen C0019562, MONDO:0008667, OMIM 193300. Disease mechanism: loss of function.

Submissions (2):

Labcorp Genetics (formerly Invitae), Labcorp
Classification: Likely benign for Von Hippel-Lindau syndrome; Chuvash polycythemia. Last evaluated: 2025-10-23. Review status: criteria provided, single submitter. Criteria: Invitae Variant Classification Sherloc (09022015). Collection method: clinical testing. Allele origin: germline.

PreventionGenetics, part of Exact Sciences
Classification: Uncertain significance for VHL-related condition. Last evaluated: 2025-08-13. Review status: criteria provided, single submitter. Criteria: ACMG Guidelines, 2015. Collection method: clinical testing. Allele origin: germline.
Comment: The VHL c.464-6T>G variant is predicted to interfere with splicing. To our knowledge, this variant has not been reported in the literature or in a large population database (gnomAD), indicating this variant is rare. This variant is predicted to impact splicing at the consensus acceptor site based on splicing prediction programs (SpliceAI, Jaganathan K, et al. 2019. PubMed ID: 30661751). This variant is interpreted as likely benign in ClinVar (Variation ID: 2079666). At this time, the clinical significance of this variant is uncertain due to the absence of conclusive functional and genetic evidence.